The following is an entry in ClinVar:

ClinVar aggregate classification (germline): Uncertain significance. Review status: criteria provided, multiple submitters, no conflicts (2 of 4 stars). 4 submissions from 4 submitters: Uncertain significance (4). Last evaluated 2025-03-04.

Conditions:
Polycystic kidney disease 4 (PKD4). Also called: POLYCYSTIC KIDNEY DISEASE 4 WITH OR WITHOUT POLYCYSTIC LIVER DISEASE; PKD3; POLYCYSTIC KIDNEY AND HEPATIC DISEASE 1; POLYCYSTIC KIDNEY DISEASE, INFANTILE, TYPE I; Autosomal Recessive Polycystic Kidney Disease – PKHD1. Identifiers: MedGen C4540575, MONDO:0033004, OMIM 263200.
Autosomal recessive polycystic kidney disease (ARPKD). Also called: AR polycystic kidney disease. Identifiers: Orphanet 731, Orphanet 8378, MedGen C0085548, MeSH D017044, MONDO:0009889.

Allele frequency attached by ClinVar (database versions not stated): ExAC 0.00001; gnomAD exomes 0.00002 and 0.00009; gnomAD 0.00005 and 0.00006; TOPMed 0.00005.
gnomAD v4.1: 135 of 1,611,520 alleles (0.0084%); highest among the groups gnomAD compares: Non-Finnish European, 0.011%; no homozygotes.

Submissions (4):

GeneDx
Classification: Uncertain significance. Last evaluated: 2025-03-04. Review status: criteria provided, single submitter. Criteria: GeneDx Variant Classification Process June 2021. Collection method: clinical testing. Allele origin: germline. Affected: yes.
Comment: Not observed at significant frequency in large population cohorts (gnomAD); In silico analysis indicates that this missense variant does not alter protein structure/function; Has not been previously published as pathogenic or benign in association with PKHD1-related disorders to our knowledge; This variant is associated with the following publications: (PMID: 36890159)

Fulgent Genetics
Classification: Uncertain significance for Polycystic kidney disease 4. Last evaluated: 2021-12-07. Review status: criteria provided, single submitter. Criteria: ACMG Guidelines, 2015. Collection method: clinical testing. Allele origin: unknown.

Labcorp Genetics (formerly Invitae), Labcorp
Classification: Uncertain significance for Autosomal recessive polycystic kidney disease. Last evaluated: 2021-09-02. Review status: criteria provided, single submitter. Criteria: Invitae Variant Classification Sherloc (09022015). Collection method: clinical testing. Allele origin: germline.
Comment: This sequence change replaces glutamic acid with lysine at codon 2118 of the PKHD1 protein (p.Glu2118Lys). The glutamic acid residue is moderately conserved and there is a small physicochemical difference between glutamic acid and lysine. This variant is present in population databases (rs751529187, ExAC 0.01%). This variant has not been reported in the literature in individuals affected with PKHD1-related conditions. Algorithms developed to predict the effect of missense changes on protein structure and function are either unavailable or do not agree on the potential impact of this missense change (SIFT: "Deleterious"; PolyPhen-2: "Probably Damaging"; Align-GVGD: "Class C0"). In summary, the available evidence is currently insufficient to determine the role of this variant in disease. Therefore, it has been classified as a Variant of Uncertain Significance.

Eurofins Ntd Llc (ga)
Classification: Uncertain significance. Last evaluated: 2018-03-21. Review status: criteria provided, single submitter. Criteria: EGL ClinVar v180209 classification definitions. Collection method: clinical testing. Allele origin: germline. Observed: 1 variant allele, 1 heterozygote.

NM_138694.4(PKHD1):c.6352G>A (p.Glu2118Lys)

Gene: PKHD1 (PKHD1 ciliary IPT domain containing fibrocystin/polyductin; minus strand). Cytogenetic location: 6p12.2.
Variant type: single nucleotide variant.
Coding change: c.6352G>A on transcript NM_138694.4 (MANE Select); coding-DNA position 6352, G replaced by A.
Protein change: p.Glu2118Lys; replaces glutamic acid 2118 with lysine.
Molecular consequence: missense variant.
Genome position (GRCh38, 1-based): chr6:51,911,937, C>T on the plus strand (G>A on the coding strand, the complement: PKHD1 is on the minus strand). VCF-style: chr6-51911937-C-T. GRCh37 (hg19) VCF-style: chr6-51776735-C-T.
Other names: c.6352G>A, p.Glu2118Lys (NM_170724.3); c.6352G>A (NM_138694.3); short protein forms E2118K.
Identifiers: ClinVar variation 596559 (VCV000596559.13), dbSNP rs751529187, ClinGen allele CA3852272.